The following is an entry in ClinVar:

ClinVar aggregate classification (germline): Uncertain significance (1 of 4 stars; one submission).

Conditions:
Werner syndrome (WRN). Identifiers: Orphanet 902, MedGen C0043119, MONDO:0010196, OMIM 277700.

Submission:

Labcorp Genetics (formerly Invitae), Labcorp
Classification: Uncertain significance for Werner syndrome. Last evaluated: 2022-11-14. Review status: criteria provided, single submitter. Criteria: Invitae Variant Classification Sherloc (09022015). Collection method: clinical testing. Allele origin: germline.
Comment: This variant, c.667_669del, results in the deletion of 1 amino acid(s) of the WRN protein (p.Ile223del), but otherwise preserves the integrity of the reading frame. This variant is not present in population databases (gnomAD no frequency). This variant has not been reported in the literature in individuals affected with WRN-related conditions. Experimental studies and prediction algorithms are not available or were not evaluated, and the functional significance of this variant is currently unknown. In summary, the available evidence is currently insufficient to determine the role of this variant in disease. Therefore, it has been classified as a Variant of Uncertain Significance.

NM_000553.6(WRN):c.664ATT[1] (p.Ile223del)

Gene: WRN (WRN RecQ like helicase; plus strand). Cytogenetic location: 8p12.
Variant type: Microsatellite.
Coding change: c.664ATT[1] on transcript NM_000553.6 (MANE Select); one copy of the 3-base unit ATT starting at c.664; the reference has two copies in a row; one copy, 3 bases deleted.
Protein change: p.Ile223del; deletes isoleucine 223.
Molecular consequence: inframe deletion.
Genome position (GRCh38, 1-based): chr8:31,068,270-31,068,272, ATT deleted; deleting any 3 consecutive bases within chr8:31,068,265-31,068,272 gives the same sequence; the position shown is the placement nearest the transcript's 3' end. VCF-style (leftmost placement, unchanged base first): chr8-31068264-TTTA-T. GRCh37 (hg19) VCF-style: chr8-30925780-TTTA-T.
Other names: short protein forms I223del.
Identifiers: ClinVar variation 1054772 (VCV001054772.5), dbSNP rs2130056327, ClinGen allele CA2580614323.
Genomic context (GRCh38, chr8:31,068,264, plus strand): 5'-GTTTTATTTCGGTGATCTTTAGCATACTTTTTAAATTTTTCTGTTTTTTTATAGGCTGGT[TTTA>T]TTATTTACCGAAATTTAGAGATTTTGGATGATACTGTGCAAAGGTTTGCTATAAATAAAG-3'